The following is an entry in ClinVar:

NM_000059.4(BRCA2):c.6983A>C (p.Glu2328Ala)

Gene: BRCA2 (BRCA2 DNA repair associated; plus strand). Cytogenetic location: 13q13.1.
Variant type: single nucleotide variant.
Coding change: c.6983A>C on transcript NM_000059.4 (MANE Select); coding-DNA position 6983, A replaced by C.
Protein change: p.Glu2328Ala; replaces glutamic acid 2328 with alanine.
Molecular consequence: missense variant.
Genome position (GRCh38, 1-based): chr13:32,346,872, A>C. VCF-style: chr13-32346872-A-C. GRCh37 (hg19) VCF-style: chr13-32921009-A-C.
Other names: short protein forms E2328A.
Identifiers: ClinVar variation 481565 (VCV000481565.8), dbSNP rs201500887, ClinGen allele CA247519632.
Genomic context (GRCh38, chr13:32,346,872, plus strand): 5'-ATAATTGTTTCCTAGGCACAATAAAAGATCGAAGATTGTTTATGCATCATGTTTCTTTAG[A>C]GCCGATTACCTGTGTACCCTTTCGGTAAGACATGTTTAAATTTTTCTAAATTCTAATACA-3'
Protein context (NP_000050.3, residues 2318-2338): RRLFMHHVSL[Glu2328Ala]PITCVPFRTT

ClinVar aggregate classification (germline): Uncertain significance. Review status: criteria provided, multiple submitters, no conflicts (2 of 4 stars). 2 submissions from 2 submitters: Uncertain significance (2). Last evaluated 2025-08-05.

Conditions:
Hereditary breast ovarian cancer syndrome. Also called: Hereditary breast and ovarian cancer syndrome; Hereditary breast and ovarian cancer; Hereditary breast and ovarian cancer syndrome (HBOC); Breast and ovarian cancer; Hereditary breast and/or ovarian cancer syndrome; BRCA1- and BRCA2-Associated Hereditary Breast and Ovarian Cancer. Identifiers: Orphanet 145, MedGen C0677776, MeSH D061325, MONDO:0003582. Disease mechanism: loss of function.
Hereditary cancer-predisposing syndrome. Also called: Neoplastic Syndromes, Hereditary; Tumor predisposition; Hereditary Cancer Syndrome; Hereditary neoplastic syndrome. Identifiers: Orphanet 140162, MedGen C0027672, MeSH D009386, MONDO:0015356.

Allele frequency attached by ClinVar (database versions not stated): gnomAD 0.00001; 1000 Genomes Project 30x 0.00016; 1000 Genomes Project 0.00020.
gnomAD v4.1: 1 of 1,610,644 alleles (0.000062%); highest among the groups gnomAD compares: East Asian, 0.0022%; no homozygotes.

Submissions (2):

Labcorp Genetics (formerly Invitae), Labcorp
Classification: Uncertain significance for Hereditary breast ovarian cancer syndrome. Last evaluated: 2025-08-05. Review status: criteria provided, single submitter. Criteria: Invitae Variant Classification Sherloc (09022015). Collection method: clinical testing. Allele origin: germline.
Comment: This sequence change replaces glutamic acid, which is acidic and polar, with alanine, which is neutral and non-polar, at codon 2328 of the BRCA2 protein (p.Glu2328Ala). This variant is not present in population databases (gnomAD no frequency). This missense change has been observed in individual(s) with clinical features of hereditary breast and ovarian cancer (PMID: 31825140). ClinVar contains an entry for this variant (Variation ID: 481565). Invitae Evidence Modeling of protein sequence and biophysical properties (such as structural, functional, and spatial information, amino acid conservation, physicochemical variation, residue mobility, and thermodynamic stability) indicates that this missense variant is not expected to disrupt BRCA2 protein function with a negative predictive value of 95%. In summary, the available evidence is currently insufficient to determine the role of this variant in disease. Therefore, it has been classified as a Variant of Uncertain Significance.

Ambry Genetics
Classification: Uncertain significance for Hereditary cancer-predisposing syndrome. Last evaluated: 2022-01-21. Review status: criteria provided, single submitter. Criteria: Ambry Variant Classification Scheme 2023. Collection method: clinical testing. Allele origin: germline.
Comment: The p.E2328A variant (also known as c.6983A>C), located in coding exon 12 of the BRCA2 gene, results from an A to C substitution at nucleotide position 6983. The glutamic acid at codon 2328 is replaced by alanine, an amino acid with dissimilar properties. This amino acid position is not well conserved in available vertebrate species. In addition, the in silico prediction for this alteration is inconclusive. Since supporting evidence is limited at this time, the clinical significance of this alteration remains unclear.

Literature cited by the submitters: PubMed 31825140 (cited by Labcorp Genetics (formerly Invitae), Labcorp).